The following is an entry in ClinVar:

NM_007194.4(CHEK2):c.617T>C (p.Val206Ala)

Gene: CHEK2 (checkpoint kinase 2; minus strand). Cytogenetic location: 22q12.1.
Variant type: single nucleotide variant.
Coding change: c.617T>C on transcript NM_007194.4 (MANE Select); coding-DNA position 617, T replaced by C.
Protein change: p.Val206Ala; replaces valine 206 with alanine.
Molecular consequence: missense variant. On other transcripts: 5 prime UTR variant (2), intron variant (1).
Genome position (GRCh38, 1-based): chr22:28,719,461, A>G on the plus strand (T>C on the coding strand, the complement: CHEK2 is on the minus strand). VCF-style: chr22-28719461-A-G. GRCh37 (hg19) VCF-style: chr22-29115449-A-G.
Other names: c.746T>C, p.Val249Ala (NM_001005735.3, NM_001438294.1); c.-47T>C (NM_001257387.3, NM_001437942.1); c.710T>C, p.Val237Ala (NM_001438293.1, NM_001438295.1); c.617T>C, p.Val206Ala (NM_145862.3); c.482+5425T>C (NM_001349956.3); short protein forms V249A, V206A, V237A.
Identifiers: ClinVar variation 826225 (VCV000826225.4), dbSNP rs1601805939, ClinGen allele CA411105106.

ClinVar aggregate classification (germline): Uncertain significance (1 of 4 stars; one submission).

Conditions:
Hereditary cancer-predisposing syndrome. Also called: Neoplastic Syndromes, Hereditary; Tumor predisposition; Hereditary neoplastic syndrome; Hereditary Cancer Syndrome. Identifiers: Orphanet 140162, MedGen C0027672, MeSH D009386, MONDO:0015356.

Submission:

Ambry Genetics
Classification: Uncertain significance for Hereditary cancer-predisposing syndrome. Last evaluated: 2019-10-15. Review status: criteria provided, single submitter. Criteria: Ambry Variant Classification Scheme 2023. Collection method: clinical testing. Allele origin: germline.
Comment: The p.V206A variant (also known as c.617T>C), located in coding exon 4 of the CHEK2 gene, results from a T to C substitution at nucleotide position 617. The valine at codon 206 is replaced by alanine, an amino acid with similar properties. This amino acid position is well conserved in available vertebrate species. In addition, the in silico prediction for this alteration is inconclusive. Since supporting evidence is limited at this time, the clinical significance of this alteration remains unclear.